The following is an entry in ClinVar:

NM_000478.6(ALPL):c.1032A>T (p.Lys344Asn)

Gene: ALPL (alkaline phosphatase, biomineralization associated; plus strand). Cytogenetic location: 1p36.12.
Variant type: single nucleotide variant.
Coding change: c.1032A>T on transcript NM_000478.6 (MANE Select); coding-DNA position 1032, A replaced by T.
Protein change: p.Lys344Asn; replaces lysine 344 with asparagine.
Molecular consequence: missense variant.
Genome position (GRCh38, 1-based): chr1:21,575,767, A>T. VCF-style: chr1-21575767-A-T. GRCh37 (hg19) VCF-style: chr1-21902260-A-T.
Other names: c.867A>T, p.Lys289Asn (NM_001127501.4); c.801A>T, p.Lys267Asn (NM_001177520.3); c.1032A>T, p.Lys344Asn (NM_001369803.2, NM_001369804.2, NM_001369805.2); short protein forms K267N, K289N, K344N.
Identifiers: ClinVar variation 3768319 (VCV003768319.1).
Genomic context (GRCh38, chr1:21,575,767, plus strand): 5'-CGAGGCCTTTGCCTTGGTGTCCCAAGGAGGCAGAATTGACCACGGGCACCATGAAGGAAA[A>T]GCCAAGCAGGCCCTGCATGAGGCGGTGGAGATGGACCGGGCCATCGGGCAGGCAGGCAGC-3'
Protein context (NP_000469.3, residues 334-354): GRIDHGHHEG[Lys344Asn]AKQALHEAVE

ClinVar aggregate classification (germline): Uncertain significance (1 of 4 stars; one submission).

Submission:

Women's Health and Genetics/Laboratory Corporation of America, LabCorp
Classification: Uncertain significance. Last evaluated: 2024-12-03. Review status: criteria provided, single submitter. Criteria: LabCorp Variant Classification Summary - May 2015. Collection method: clinical testing. Allele origin: germline.
Comment: Variant summary: ALPL c.1032A>T (p.Lys344Asn) results in a non-conservative amino acid change in the encoded protein sequence. Four of five in-silico tools predict a damaging effect of the variant on protein function. The variant was absent in 251418 control chromosomes. The available data on variant occurrences in the general population are insufficient to allow any conclusion about variant significance. To our knowledge, no occurrence of c.1032A>T in individuals affected with Hypophosphatasia and no experimental evidence demonstrating its impact on protein function have been reported. No submitters have cited clinical-significance assessments for this variant to ClinVar. Based on the evidence outlined above, the variant was classified as uncertain significance.